The following is an entry in ClinVar:

NM_017780.4(CHD7):c.4851-7T>G

Gene: CHD7 (chromodomain helicase DNA binding protein 7; plus strand). Cytogenetic location: 8q12.2.
Variant type: single nucleotide variant.
Coding change: c.4851-7T>G on transcript NM_017780.4 (MANE Select); 7 bases into the intron before coding-DNA position 4851, T replaced by G.
Molecular consequence: intron variant.
Genome position (GRCh38, 1-based): chr8:60,844,857, T>G. VCF-style: chr8-60844857-T-G. GRCh37 (hg19) VCF-style: chr8-61757416-T-G.
Other names: c.4851-7T>G (LRG_176t1); c.1717-17372T>G (NM_001316690.1).
Identifiers: ClinVar variation 393041 (VCV000393041.2), dbSNP rs1057524753, ClinGen allele CA16606131.

ClinVar aggregate classification (germline): Uncertain significance (1 of 4 stars; one submission).

Submission:

GeneDx
Classification: Uncertain significance. Last evaluated: 2017-01-20. Review status: criteria provided, single submitter. Criteria: GeneDx Variant Classification (06012015). Collection method: clinical testing. Allele origin: germline. Affected: yes.
Comment: The c.4851-7 T>G variant has not been published as a pathogenic variant, nor has it been reported as a benign variant to our knowledge. The variant was not observed in approximately 6,100 individuals of European and African American ancestry in the NHLBI Exome Sequencing Project, indicating it is not a common benign variant in these populations. This variant occurs at a position that is not conserved; however, several in-silico splice prediction models predict that c.4851-7 T>G destroys the canonical splice acceptor site for intron 21 and leads to abnormal gene splicing. In the absence of RNA/functional studies, the actual effect of this sequence change in this individual is unknown. Therefore, based on the currently available information, it is unclear whether this variant is a pathogenic variant or a rare benign variant.